The following is an entry in ClinVar:

NM_134261.3(RORA):c.166+3A>G

Gene: RORA (RAR related orphan receptor A; minus strand). Cytogenetic location: 15q22.2.
Variant type: single nucleotide variant.
Coding change: c.166+3A>G on transcript NM_134261.3 (MANE Select); 3 bases into the intron after coding-DNA position 166, A replaced by G.
Molecular consequence: intron variant.
Genome position (GRCh38, 1-based): chr15:61,229,050, T>C on the plus strand (A>G on the coding strand, the complement: RORA is on the minus strand). VCF-style: chr15-61229050-T-C. GRCh37 (hg19) VCF-style: chr15-61521249-T-C.
Identifiers: ClinVar variation 2572897 (VCV002572897.2), dbSNP rs2080175903, ClinGen allele CA2181591548.

ClinVar aggregate classification (germline): Uncertain significance (1 of 4 stars; one submission).

Allele frequency attached by ClinVar (database versions not stated): gnomAD exomes below 0.00001; TOPMed below 0.00001.
gnomAD v4.1: 1 of 1,513,388 alleles (0.000066%); highest among the groups gnomAD compares: Non-Finnish European, 0.000089%; no homozygotes.

Submission:

GeneDx
Classification: Uncertain significance. Last evaluated: 2025-01-10. Review status: criteria provided, single submitter. Criteria: GeneDx Variant Classification Process June 2021. Collection method: clinical testing. Allele origin: germline. Affected: yes.
Comment: Not observed at significant frequency in large population cohorts (gnomAD); In silico analysis supports a deleterious effect on splicing; Has not been previously published as pathogenic or benign to our knowledge